The following is an entry in ClinVar:

NM_004168.4(SDHA):c.1660C>T (p.Arg554Trp)

Gene: SDHA (succinate dehydrogenase complex flavoprotein subunit A; plus strand). Cytogenetic location: 5p15.33.
Variant type: single nucleotide variant.
Coding change: c.1660C>T on transcript NM_004168.4 (MANE Select); coding-DNA position 1660, C replaced by T.
Protein change: p.Arg554Trp; replaces arginine 554 with tryptophan.
Molecular consequence: missense variant. On other transcripts: intron variant (1).
Genome position (GRCh38, 1-based): chr5:251,100, C>T. VCF-style: chr5-251100-C-T. GRCh37 (hg19) VCF-style: chr5-251215-C-T.
Other names: c.1516C>T, p.Arg506Trp (NM_001294332.2); c.1552-3293C>T (NM_001330758.2); short protein forms R554W, R506W.
Identifiers: ClinVar variation 8742 (VCV000008742.37), dbSNP rs9809219, ClinGen allele CA119879.

ClinVar aggregate classification (germline): Likely pathogenic. Review status: criteria provided, multiple submitters, no conflicts (2 of 4 stars). 14 submissions from 13 submitters: Likely pathogenic (12). 2 of the submissions do not count toward it. Last evaluated 2026-10-19.

Conditions:
Diffuse midline glioma, H3 K27-altered. Identifiers: MedGen C5669877, MONDO:1060171.
Cardiac arrhythmia. Also called: Arrhythmia; Cardiac rhythm disease. Identifiers: MedGen C0003811, MONDO:0007263, HP:0011675.
Pheochromocytoma/paraganglioma syndrome 5. Also called: Paragangliomas 5; SDHA-Related Hereditary Paraganglioma-Pheochromocytoma Syndrome. Identifiers: Orphanet 29072, MedGen C3279992, MONDO:0013602, OMIM 614165.
Mitochondrial complex II deficiency, nuclear type 1. Also called: SUCCINATE CoQ REDUCTASE DEFICIENCY. Identifiers: Orphanet 3208, MedGen C5700310, MONDO:0100294, OMIM 252011.
Hereditary cancer-predisposing syndrome. Also called: Tumor predisposition; Hereditary Cancer Syndrome; Hereditary neoplastic syndrome; Neoplastic Syndromes, Hereditary. Identifiers: Orphanet 140162, MedGen C0027672, MeSH D009386, MONDO:0015356.
Neurodegeneration with ataxia and late-onset optic atrophy. Identifiers: MedGen C5543254, MONDO:0031006, OMIM 619259.
Dilated cardiomyopathy 1GG (CMD1GG). Identifiers: Orphanet 154, MedGen C3150898, MONDO:0013339, OMIM 613642.
SDHA-related disorder. Also called: SDHA-related condition; SDHA-related disorders.
Leigh syndrome (NULS). Also called: LEIGH SYNDROME, NUCLEAR; Leigh's syndrome; Subacute necrotizing encephalopathy; Necrotizing encephalopathy infantile subacute of Leigh; Leigh Disease; Leigh Syndrome (mtDNA deletion). Identifiers: Orphanet 506, MedGen C2931891, MONDO:0009723, OMIM 256000.

Allele frequency attached by ClinVar (database versions not stated): gnomAD 0.00001; ExAC 0.00002; gnomAD exomes 0.00004; TOPMed 0.00002.
gnomAD v4.1: 27 of 1,611,434 alleles (0.0017%); highest among the groups gnomAD compares: Middle Eastern, 0.045%; no homozygotes.

Submissions 1 to 10 of 14:

GeneDx
Classification: Likely pathogenic. Last evaluated: 2026-10-19. Review status: criteria provided, single submitter. Criteria: GeneDx Variant Classification Process June 2021. Collection method: clinical testing. Allele origin: germline.
Comment: Published functional studies demonstrate significantly reduced SDH activity (PMID: 7550341, 22677546); In silico analysis supports that this missense variant has a deleterious effect on protein structure/function; Not observed at significant frequency in large population cohorts (gnomAD); This variant is associated with the following publications: (PMID: 7550341, 11423010, 20489732, 16195397, 16798039, 21858060, 1492653, 30728243, 37098072, Saucedo-Rodrguez2026[preprint], 39321216, 22677546)

Labcorp Genetics (formerly Invitae), Labcorp
Classification: Likely pathogenic for Pheochromocytoma/paraganglioma syndrome 5; Mitochondrial complex II deficiency, nuclear type 1. Last evaluated: 2025-12-15. Review status: criteria provided, single submitter. Criteria: Invitae Variant Classification Sherloc (09022015). Collection method: clinical testing. Allele origin: germline.
Comment: This sequence change replaces arginine, which is basic and polar, with tryptophan, which is neutral and slightly polar, at codon 554 of the SDHA protein (p.Arg554Trp). This variant is present in population databases (rs9809219, gnomAD 0.01%). This missense change has been observed in individual(s) with mitochondrial complex II deficiency presenting as Leigh syndrome (PMID: 7550341). It has also been observed to segregate with disease in related individuals. ClinVar contains an entry for this variant (Variation ID: 8742). Invitae Evidence Modeling of protein sequence and biophysical properties (such as structural, functional, and spatial information, amino acid conservation, physicochemical variation, residue mobility, and thermodynamic stability) has been performed for this missense variant. However, the output from this modeling did not meet the statistical confidence thresholds required to predict the impact of this variant on SDHA protein function. Experimental studies have shown that this missense change affects SDHA function (PMID: 7550341, 16195397, 20489732, 22677546). In summary, the currently available evidence indicates that the variant is pathogenic, but additional data are needed to prove that conclusively. Therefore, this variant has been classified as Likely Pathogenic.

Petrovsky National Research Centre of Surgery, The Federal Agency for Scientific Organizations
Classification: Likely pathogenic for Cardiac arrhythmia. Last evaluated: 2025-11-18. Review status: criteria provided, single submitter. Criteria: ACMG Guidelines, 2015. Collection method: clinical testing. Allele origin: germline. Affected: yes. Observed: 1 variant allele.
Comment: The variant is present in The Genome Aggregation Database (gnomAD) v4.1.0 with a total MAF of 0.00001676. In accordance with ACMG (2015) criteria, this variant is classified as Likely Pathogenic (Class IV) with the following criteria applied: PM2_moderate, PP3_supporting, PS3_moderate.

Ambry Genetics
Classification: Likely pathogenic for Hereditary cancer-predisposing syndrome. Last evaluated: 2025-05-23. Review status: criteria provided, single submitter. Criteria: Ambry Variant Classification Scheme 2023. Collection method: clinical testing. Allele origin: germline.
Comment: The p.R554W variant (also known as c.1660C>T), located in coding exon 12 of the SDHA gene, results from a C to T substitution at nucleotide position 1660. The arginine at codon 554 is replaced by tryptophan, an amino acid with dissimilar properties. This alteration has also been detected in a homozygous state in two siblings with Leigh syndrome and was found to have a deleterious effect on the catalytic activity of the SDH protein in yeast (Bourgeron T et al. Nat. Genet., 1995 Oct;11:144-9). Additional functional studies have shown that this alteration impairs SDHA protein activity (Mbaya E et al. Cell Death Differ., 2010 Dec;17:1855-66; Xiao M et al. Genes Dev., 2012 Jun;26:1326-38). This amino acid position is highly conserved in available vertebrate species. In addition, this alteration is predicted to be deleterious by in silico analysis. Based on the majority of available evidence to date, this variant is likely to be pathogenic.

Women's Health and Genetics/Laboratory Corporation of America, LabCorp
Classification: Likely pathogenic for SDHA-Related Disorders. Last evaluated: 2025-05-22. Review status: criteria provided, single submitter. Criteria: LabCorp Variant Classification Summary - May 2015. Collection method: clinical testing. Allele origin: germline.
Comment: Variant summary: SDHA c.1660C>T (p.Arg554Trp) results in a non-conservative amino acid change in the encoded protein sequence. Algorithms developed to predict the effect of missense changes on protein structure and function all suggest that this variant is likely to be disruptive. The variant allele was found at a frequency of 4e-05 in 251134 control chromosomes (gnomAD). This frequency is not significantly higher than estimated for a pathogenic variant in SDHA causing SDHA-Related Disorders, allowing no conclusion about variant significance. c.1660C>T has been observed in at least two individuals affected with complex II deficiency presenting as Leigh syndrome (Bourgeron_1995). These data indicate that the variant is likely to be associated with disease. At least two publications reported experimental evidence evaluating an impact on protein function and this variant affected the SDHA protein function (Bourgeron_1995, Mbaya_2010). ClinVar contains an entry for this variant (Variation ID: 8742). Based on the evidence outlined above, the variant was classified as likely pathogenic.

Genomic Research Center, Shahid Beheshti University of Medical Sciences
Classification: Likely pathogenic for Leigh syndrome. Last evaluated: 2024-12-03. Review status: criteria provided, single submitter. Criteria: ACMG Guidelines, 2015. Collection method: clinical testing. Allele origin: unknown. Affected: no.

Genomic Research Center, Shahid Beheshti University of Medical Sciences
Classification: Likely pathogenic for Mitochondrial complex II deficiency, nuclear type 1. Last evaluated: 2024-12-03. Review status: criteria provided, single submitter. Criteria: ACMG Guidelines, 2015. Collection method: clinical testing. Allele origin: unknown. Affected: no.

Institute for Genomic Medicine (IGM) Clinical Laboratory, Nationwide Children's Hospital
Classification: Likely pathogenic for Pheochromocytoma/paraganglioma syndrome 5. Last evaluated: 2024-05-01. Review status: criteria provided, single submitter. Criteria: ACMG Guidelines, 2015. Collection method: clinical testing. Allele origin: germline.
Comment: Well-established functional studies have demonstrated this variant to have a damaging effect on protein function or splicing (ACMG/AMP: PS3; PMIDs:16195397, 20489732, 22677546). This variant is absent from or present at an exceedingly low frequency in gnomAD, a large-scale control population database (ACMG/AMP: PM2). This variant is predicted to alter protein function or structure, or disrupt splicing by multiple in silico tools (ACMG/AMP: PP3).

Baylor Genetics
Classification: Likely pathogenic for Dilated cardiomyopathy 1GG. Last evaluated: 2024-01-17. Review status: criteria provided, single submitter. Criteria: ACMG Guidelines, 2015. Collection method: clinical testing. Allele origin: unknown.

Fulgent Genetics
Classification: Likely pathogenic for Mitochondrial complex II deficiency, nuclear type 1; Dilated cardiomyopathy 1GG; Pheochromocytoma/paraganglioma syndrome 5; Neurodegeneration with ataxia and late-onset optic atrophy. Last evaluated: 2023-12-29. Review status: criteria provided, single submitter. Criteria: ACMG Guidelines, 2015. Collection method: clinical testing. Allele origin: germline.